The following is an entry in ClinVar:

NM_021971.4(GMPPB):c.130-2A>C

Gene: GMPPB (GDP-mannose pyrophosphorylase B; minus strand). Cytogenetic location: 3p21.31.
Variant type: single nucleotide variant.
Coding change: c.130-2A>C on transcript NM_021971.4 (MANE Select); the canonical splice acceptor site of the intron before coding-DNA position 130, A replaced by C.
Molecular consequence: splice acceptor variant.
Genome position (GRCh38, 1-based): chr3:49,723,474, T>G on the plus strand (A>C on the coding strand, the complement: GMPPB is on the minus strand). VCF-style: chr3-49723474-T-G. GRCh37 (hg19) VCF-style: chr3-49760907-T-G.
Other names: c.130-2A>C (NM_013334.4).
Identifiers: ClinVar variation 2444180 (VCV002444180.1), dbSNP rs2544757590, ClinGen allele CA352831122.

ClinVar aggregate classification (germline): Likely pathogenic (1 of 4 stars; one submission).

Conditions:
Autosomal recessive limb-girdle muscular dystrophy type 2T. Also called: MUSCULAR DYSTROPHY, LIMB-GIRDLE, TYPE 2T; Muscular dystrophy-dystroglycanopathy (limb-girdle), type c, 14; MUSCULAR DYSTROPHY-DYSTROGLYCANOPATHY, LIMB-GIRDLE, GMPPB-RELATED; Limb-girdle muscular dystrophy-dystroglycanopathy, type C14. Identifiers: Orphanet 363623, MedGen C4518000, MONDO:0014142, OMIM 615352.

Submission:

3billion
Classification: Likely pathogenic for Autosomal recessive limb-girdle muscular dystrophy type 2T. Last evaluated: 2023-02-23. Review status: criteria provided, single submitter. Criteria: ACMG Guidelines, 2015. Collection method: clinical testing. Allele origin: unknown. Affected: yes.
Comment: The variant is not observed in the gnomAD v2.1.1 dataset. This variant was predicted to alter splicing and result in a loss or disruption of normal protein function. Multiple pathogenic loss-of-function variants are reported downstream of the variant. Therefore, this variant is classified as Likely pathogenic according to the recommendation of ACMG/AMP guideline.